The following is an entry in ClinVar:

ClinVar aggregate classification (germline): Uncertain significance (1 of 4 stars; one submission).

Allele frequency attached by ClinVar (database versions not stated): ExAC 0.00002; TOPMed 0.00002; gnomAD 0.00003.
gnomAD v4.1: 11 of 1,556,586 alleles (0.00071%); highest among the groups gnomAD compares: African/African-American, 0.0095%; no homozygotes.

Submission:

Labcorp Genetics (formerly Invitae), Labcorp
Classification: Uncertain significance. Last evaluated: 2022-07-25. Review status: criteria provided, single submitter. Criteria: Invitae Variant Classification Sherloc (09022015). Collection method: clinical testing. Allele origin: germline.
Comment: In summary, the available evidence is currently insufficient to determine the role of this variant in disease. Therefore, it has been classified as a Variant of Uncertain Significance. Algorithms developed to predict the effect of missense changes on protein structure and function are either unavailable or do not agree on the potential impact of this missense change (SIFT: "Not Available"; PolyPhen-2: "Benign"; Align-GVGD: "Not Available"). This variant has not been reported in the literature in individuals affected with PIK3C2A-related conditions. This variant is present in population databases (rs756640583, gnomAD 0.01%). This sequence change replaces threonine, which is neutral and polar, with arginine, which is basic and polar, at codon 389 of the PIK3C2A protein (p.Thr389Arg).

NM_002645.4(PIK3C2A):c.1166C>G (p.Thr389Arg)

Gene: PIK3C2A (phosphatidylinositol-4-phosphate 3-kinase catalytic subunit type 2 alpha; minus strand). Cytogenetic location: 11p15.1.
Variant type: single nucleotide variant.
Coding change: c.1166C>G on transcript NM_002645.4 (MANE Select); coding-DNA position 1166, C replaced by G.
Protein change: p.Thr389Arg; replaces threonine 389 with arginine.
Molecular consequence: missense variant.
Genome position (GRCh38, 1-based): chr11:17,155,529, G>C on the plus strand (C>G on the coding strand, the complement: PIK3C2A is on the minus strand). VCF-style: chr11-17155529-G-C. GRCh37 (hg19) VCF-style: chr11-17177076-G-C.
Other names: c.1166C>G, p.Thr389Arg (NM_001321378.2, NM_001386870.1); c.26C>G, p.Thr9Arg (NM_001321380.2); short protein forms T389R, T9R.
Identifiers: ClinVar variation 2185206 (VCV002185206.4), dbSNP rs756640583, ClinGen allele CA5901429.